The following is an entry in ClinVar:

NM_004260.4(RECQL4):c.191C>A (p.Ser64Ter)

Gene: RECQL4 (RecQ like helicase 4; minus strand). Cytogenetic location: 8q24.3.
Variant type: single nucleotide variant.
Coding change: c.191C>A on transcript NM_004260.4 (MANE Select); coding-DNA position 191, C replaced by A.
Protein change: p.Ser64Ter; replaces serine 64 with a stop codon.
Molecular consequence: nonsense.
Genome position (GRCh38, 1-based): chr8:144,517,436, G>T on the plus strand (C>A on the coding strand, the complement: RECQL4 is on the minus strand). VCF-style: chr8-144517436-G-T. GRCh37 (hg19) VCF-style: chr8-145742820-G-T.
Other names: short protein forms S64*.
Identifiers: ClinVar variation 1453041 (VCV001453041.6), dbSNP rs1554904702, ClinGen allele CA372692545.

ClinVar aggregate classification (germline): Pathogenic (1 of 4 stars; one submission).

Conditions:
Baller-Gerold syndrome (BGS). Also called: CRANIOSYNOSTOSIS WITH RADIAL DEFECTS. Identifiers: Orphanet 1225, MedGen C0265308, MONDO:0009039, OMIM 218600.

Submission:

Labcorp Genetics (formerly Invitae), Labcorp
Classification: Pathogenic for Baller-Gerold syndrome. Last evaluated: 2024-09-18. Review status: criteria provided, single submitter. Criteria: Invitae Variant Classification Sherloc (09022015). Collection method: clinical testing. Allele origin: germline.
Comment: This sequence change creates a premature translational stop signal (p.Ser64*) in the RECQL4 gene. It is expected to result in an absent or disrupted protein product. Loss-of-function variants in RECQL4 are known to be pathogenic (PMID: 12734318, 12952869). This variant is not present in population databases (gnomAD no frequency). This variant has not been reported in the literature in individuals affected with RECQL4-related conditions. ClinVar contains an entry for this variant (Variation ID: 1453041). For these reasons, this variant has been classified as Pathogenic.

Literature cited by the submitters: PubMed 12734318; PubMed 12952869.